The following is an entry in ClinVar:

NM_145861.4(EDARADD):c.*966A>G

Gene: EDARADD (EDAR associated via death domain; plus strand). Cytogenetic location: 1q43.
Variant type: single nucleotide variant.
Coding change: c.*966A>G on transcript NM_145861.4 (MANE Select); 966 bases downstream of the stop codon, A replaced by G.
Molecular consequence: 3 prime UTR variant.
Genome position (GRCh38, 1-based): chr1:236,483,615, A>G. VCF-style: chr1-236483615-A-G. GRCh37 (hg19) VCF-style: chr1-236646915-A-G.
Other names: c.*966A>G (NM_001422628.1, NM_080738.5).
Identifiers: ClinVar variation 876110 (VCV000876110.5), dbSNP rs61740489, ClinGen allele CA39702935.

ClinVar aggregate classification (germline): Benign. Review status: criteria provided, multiple submitters, no conflicts (2 of 4 stars). 2 submissions from 2 submitters: Benign (2). Last evaluated 2018-01-13.

Conditions:
Hypohidrotic ectodermal dysplasia (HED). Identifiers: Orphanet 238468, MedGen C5848103, MONDO:0016535, HP:0007607.

Allele frequency attached by ClinVar (database versions not stated): TOPMed 0.00846; 1000 Genomes Project 30x 0.01202; gnomAD exomes 0.00078; gnomAD 0.00790 and 0.00838; 1000 Genomes Project 0.01018.
gnomAD v4.1: 2,357 of 1,539,124 alleles (0.15%); highest among the groups gnomAD compares: African/African-American, 2.7%; 40 homozygotes.

Submissions (2):

Illumina Laboratory Services, Illumina
Classification: Benign for Hypohidrotic ectodermal dysplasia. Last evaluated: 2018-01-13. Review status: criteria provided, single submitter. Criteria: ICSL Variant Classification Criteria 13 December 2019. Collection method: clinical testing. Allele origin: germline.
Comment: This variant was observed in the ICSL laboratory as part of a predisposition screen in an ostensibly healthy population. It had not been previously curated by ICSL or reported in the Human Gene Mutation Database (HGMD: prior to June 1st, 2018), and was therefore a candidate for classification through an automated scoring system. Utilizing variant allele frequency, disease prevalence and penetrance estimates, and inheritance mode, an automated score was calculated to assess if this variant is too frequent to cause the disease. Based on the score and internal cut-off values, a variant classified as benign is not then subjected to further curation. The score for this variant resulted in a classification of benign for this disease.

Breakthrough Genomics
Classification: Benign. Review status: criteria provided, single submitter. Criteria: ACMG Guidelines, 2015. Collection method: not provided. Allele origin: germline. Inheritance: Autosomal recessive inheritance. Affected: yes.